The following is an entry in ClinVar:

ClinVar aggregate classification (germline): Uncertain significance (1 of 4 stars; one submission).

Allele frequency attached by ClinVar (database versions not stated): gnomAD exomes below 0.00001.
gnomAD v4.1: 2 of 1,480,298 alleles (0.00014%); highest among the groups gnomAD compares: Non-Finnish European, 0.00018%; no homozygotes.

Submission:

GeneDx
Classification: Uncertain significance. Last evaluated: 2023-02-07. Review status: criteria provided, single submitter. Criteria: GeneDx Variant Classification Process June 2021. Collection method: clinical testing. Allele origin: germline. Affected: yes.
Comment: Not observed at significant frequency in large population cohorts (gnomAD); Located in a region that tolerates variation and lacks pathogenic variants; Has not been previously published as pathogenic or benign to our knowledge

NM_001374828.1(ARID1B):c.*9A>C

Gene: ARID1B (AT-rich interaction domain 1B; plus strand). Cytogenetic location: 6q25.3.
Variant type: single nucleotide variant.
Coding change: c.*9A>C on transcript NM_001374828.1 (MANE Select); 9 bases downstream of the stop codon, A replaced by C.
Molecular consequence: 3 prime UTR variant.
Genome position (GRCh38, 1-based): chr6:157,207,900, A>C. VCF-style: chr6-157207900-A-C. GRCh37 (hg19) VCF-style: chr6-157529034-A-C.
Other names: c.*9A>C (NM_001346813.1, NM_001363725.2, NM_001371656.1 and 4 more transcripts).
Identifiers: ClinVar variation 2574751 (VCV002574751.1), dbSNP rs2538797247, ClinGen allele CA2580615818.